The following is an entry in ClinVar:

NM_153676.4(USH1C):c.1994G>A (p.Ser665Asn)

Gene: USH1C (USH1 protein network component harmonin; minus strand). Cytogenetic location: 11p15.1.
Variant type: single nucleotide variant.
Coding change: c.1994G>A on transcript NM_153676.4 (MANE Select); coding-DNA position 1994, G replaced by A.
Protein change: p.Ser665Asn; replaces serine 665 with asparagine.
Molecular consequence: missense variant. On other transcripts: intron variant (2).
Genome position (GRCh38, 1-based): chr11:17,509,375, C>T on the plus strand (G>A on the coding strand, the complement: USH1C is on the minus strand). VCF-style: chr11-17509375-C-T. GRCh37 (hg19) VCF-style: chr11-17530922-C-T.
Other names: c.1228-7395G>A (NM_001297764.2); c.1285-7395G>A (NM_005709.4); short protein forms S665N.
Identifiers: ClinVar variation 1315317 (VCV001315317.2), dbSNP rs150854703, ClinGen allele CA5904396.

ClinVar aggregate classification (germline): Uncertain significance (1 of 4 stars; one submission).

Allele frequency attached by ClinVar (database versions not stated): gnomAD 0.00003; gnomAD exomes 0.00003 and 0.00005; ExAC 0.00004; TOPMed 0.00005; ESP Exome Variant Server 0.00008.
gnomAD v4.1: 83 of 1,583,172 alleles (0.0052%); highest among the groups gnomAD compares: Non-Finnish European, 0.0065%; no homozygotes.

Submission:

GeneDx
Classification: Uncertain significance. Last evaluated: 2020-02-05. Review status: criteria provided, single submitter. Criteria: GeneDx Variant Classification Process June 2021. Collection method: clinical testing. Allele origin: germline. Affected: yes.
Comment: Not observed at a significant frequency in large population cohorts (Lek et al., 2016); In silico analysis supports that this variant does not alter splicing; Has not been previously published as pathogenic or benign to our knowledge